The following is an entry in ClinVar:

NM_033026.6(PCLO):c.6340G>A (p.Ala2114Thr)

Gene: PCLO (piccolo presynaptic cytomatrix protein; minus strand). Cytogenetic location: 7q21.11.
Variant type: single nucleotide variant.
Coding change: c.6340G>A on transcript NM_033026.6 (MANE Select); coding-DNA position 6340, G replaced by A.
Protein change: p.Ala2114Thr; replaces alanine 2114 with threonine.
Molecular consequence: missense variant.
Genome position (GRCh38, 1-based): chr7:82,954,613, C>T on the plus strand (G>A on the coding strand, the complement: PCLO is on the minus strand). VCF-style: chr7-82954613-C-T. GRCh37 (hg19) VCF-style: chr7-82583929-C-T.
Other names: c.6340G>A, p.Ala2114Thr (NM_014510.3); short protein forms A2114T.
Identifiers: ClinVar variation 1913898 (VCV001913898.5), dbSNP rs1795461000, ClinGen allele CA367919798.

ClinVar aggregate classification (germline): Uncertain significance (1 of 4 stars; one submission).

Allele frequency attached by ClinVar (database versions not stated): gnomAD 0.00001.
gnomAD v4.1: 1 of 1,613,824 alleles (0.000062%); highest among the groups gnomAD compares: Admixed American, 0.0017%; no homozygotes.

Submission:

Labcorp Genetics (formerly Invitae), Labcorp
Classification: Uncertain significance. Last evaluated: 2024-10-26. Review status: criteria provided, single submitter. Criteria: Invitae Variant Classification Sherloc (09022015). Collection method: clinical testing. Allele origin: germline.
Comment: This sequence change replaces alanine, which is neutral and non-polar, with threonine, which is neutral and polar, at codon 2114 of the PCLO protein (p.Ala2114Thr). This variant is not present in population databases (gnomAD no frequency). This variant has not been reported in the literature in individuals affected with PCLO-related conditions. ClinVar contains an entry for this variant (Variation ID: 1913898). Experimental studies and prediction algorithms are not available or were not evaluated, and the functional significance of this variant is currently unknown. In summary, the available evidence is currently insufficient to determine the role of this variant in disease. Therefore, it has been classified as a Variant of Uncertain Significance.